The following is an entry in ClinVar:

ClinVar aggregate classification (germline): Uncertain significance (1 of 4 stars; one submission).

Allele frequency attached by ClinVar (database versions not stated): TOPMed below 0.00001; ExAC 0.00001; gnomAD 0.00001.
gnomAD v4.1: 2 of 1,605,586 alleles (0.00012%); highest among the groups gnomAD compares: Non-Finnish European, 0.00017%; no homozygotes.

Submission:

Labcorp Genetics (formerly Invitae), Labcorp
Classification: Uncertain significance. Last evaluated: 2023-11-19. Review status: criteria provided, single submitter. Criteria: Invitae Variant Classification Sherloc (09022015). Collection method: clinical testing. Allele origin: germline.
Comment: This sequence change replaces phenylalanine, which is neutral and non-polar, with isoleucine, which is neutral and non-polar, at codon 483 of the MYO6 protein (p.Phe483Ile). This variant is present in population databases (rs750376415, gnomAD 0.0009%). This variant has not been reported in the literature in individuals affected with MYO6-related conditions. Advanced modeling of protein sequence and biophysical properties (such as structural, functional, and spatial information, amino acid conservation, physicochemical variation, residue mobility, and thermodynamic stability) has been performed at Invitae for this missense variant, however the output from this modeling did not meet the statistical confidence thresholds required to predict the impact of this variant on MYO6 protein function. In summary, the available evidence is currently insufficient to determine the role of this variant in disease. Therefore, it has been classified as a Variant of Uncertain Significance.

NM_004999.4(MYO6):c.1447T>A (p.Phe483Ile)

Gene: MYO6 (myosin VI; plus strand). Cytogenetic location: 6q14.1.
Variant type: single nucleotide variant.
Coding change: c.1447T>A on transcript NM_004999.4 (MANE Select); coding-DNA position 1447, T replaced by A.
Protein change: p.Phe483Ile; replaces phenylalanine 483 with isoleucine.
Molecular consequence: missense variant. On other transcripts: non-coding transcript variant (1).
Genome position (GRCh38, 1-based): chr6:75,858,967, T>A. VCF-style: chr6-75858967-T-A. GRCh37 (hg19) VCF-style: chr6-76568684-T-A.
Other names: c.1447T>A, p.Phe483Ile (NM_001300899.2, NM_001368136.1, NM_001368137.1 and 2 more transcripts); c.1432T>A, p.Phe478Ile (NM_001368138.1); short protein forms F478I, F483I.
Identifiers: ClinVar variation 2731388 (VCV002731388.3), dbSNP rs750376415, ClinGen allele CA3897112.